The following is an entry in ClinVar:

NM_001142800.2(EYS):c.3328A>G (p.Thr1110Ala)

Gene: EYS (eyes shut homolog; minus strand). Cytogenetic location: 6q12.
Variant type: single nucleotide variant.
Coding change: c.3328A>G on transcript NM_001142800.2 (MANE Select); coding-DNA position 3328, A replaced by G.
Protein change: p.Thr1110Ala; replaces threonine 1110 with alanine.
Molecular consequence: missense variant.
Genome position (GRCh38, 1-based): chr6:64,813,493, T>C on the plus strand (A>G on the coding strand, the complement: EYS is on the minus strand). VCF-style: chr6-64813493-T-C. GRCh37 (hg19) VCF-style: chr6-65523386-T-C.
Other names: c.3328A>G, p.Thr1110Ala (NM_001292009.2); short protein forms T1110A.
Identifiers: ClinVar variation 2186106 (VCV002186106.1), dbSNP rs978274639, ClinGen allele CA140368135.

ClinVar aggregate classification (germline): Uncertain significance (1 of 4 stars; one submission).

Allele frequency attached by ClinVar (database versions not stated): gnomAD exomes below 0.00001; TOPMed below 0.00001; gnomAD 0.00001.
gnomAD v4.1: 3 of 1,550,514 alleles (0.00019%); highest among the groups gnomAD compares: Non-Finnish European, 0.00017%; no homozygotes.

Submission:

Labcorp Genetics (formerly Invitae), Labcorp
Classification: Uncertain significance. Last evaluated: 2022-05-19. Review status: criteria provided, single submitter. Criteria: Invitae Variant Classification Sherloc (09022015). Collection method: clinical testing. Allele origin: germline.
Comment: This sequence change replaces threonine, which is neutral and polar, with alanine, which is neutral and non-polar, at codon 1110 of the EYS protein (p.Thr1110Ala). This variant is present in population databases (no rsID available, gnomAD 0.002%). This variant has not been reported in the literature in individuals affected with EYS-related conditions. Algorithms developed to predict the effect of missense changes on protein structure and function output the following: SIFT: "Deleterious"; PolyPhen-2: "Possibly Damaging"; Align-GVGD: "Class C55". The alanine amino acid residue is found in multiple mammalian species, which suggests that this missense change does not adversely affect protein function. In summary, the available evidence is currently insufficient to determine the role of this variant in disease. Therefore, it has been classified as a Variant of Uncertain Significance.